The following is an entry in ClinVar:

NM_000152.5(GAA):c.693-216T>C

Gene: GAA (alpha glucosidase; plus strand). Cytogenetic location: 17q25.3.
Variant type: single nucleotide variant.
Coding change: c.693-216T>C on transcript NM_000152.5 (MANE Select); 216 bases into the intron before coding-DNA position 693, T replaced by C.
Molecular consequence: intron variant.
Genome position (GRCh38, 1-based): chr17:80,107,341, T>C. VCF-style: chr17-80107341-T-C. GRCh37 (hg19) VCF-style: chr17-78081140-T-C.
Other names: c.693-216T>C (NM_001079803.3, NM_001079804.3).
Identifiers: ClinVar variation 680265 (VCV000680265.3), dbSNP rs11150844, ClinGen allele CA14485090.

ClinVar aggregate classification (germline): Benign. Review status: criteria provided, multiple submitters, no conflicts (2 of 4 stars). 3 submissions from 3 submitters: Benign (3). Last evaluated 2026-07-01.

Conditions:
Glycogen storage disease, type II (IOPD). Also called: Pompe Disease; CARDIOMEGALIA GLYCOGENICA DIFFUSA; GLYCOGENOSIS, GENERALIZED, CARDIAC FORM; GSD II; POMPE DISEASE, INFANTILE-ONSET; GLYCOGEN STORAGE DISEASE II, INFANTILE-ONSET. Identifiers: Orphanet 365, MedGen C0017921, MONDO:0009290, OMIM 232300.

Allele frequency attached by ClinVar (database versions not stated): 1000 Genomes Project 30x 0.59900; 1000 Genomes Project 0.60044; TOPMed 0.63528; gnomAD 0.65482 and 0.65484.

Submissions (3):

Genomenon, Inc
Classification: Benign for Glycogen storage disease, type II. Last evaluated: 2026-07-01. Review status: criteria provided, single submitter. Criteria: Genomenon Sequence Variant Interpretation Standards - Updated. Collection method: curation. Allele origin: germline. Affected: no.
Comment: GAA c.693-216T>C is an intronic variant located in intron 3. This variant is present at high allele frequency in population databases. We classify GAA c.693-216T>C as a benign variant.

GeneDx
Classification: Benign. Last evaluated: 2018-06-14. Review status: criteria provided, single submitter. Criteria: GeneDx Variant Classification (06012015). Collection method: clinical testing. Allele origin: germline. Affected: yes.
Comment: This variant is considered likely benign or benign based on one or more of the following criteria: it is a conservative change, it occurs at a poorly conserved position in the protein, it is predicted to be benign by multiple in silico algorithms, and/or has population frequency not consistent with disease.

Breakthrough Genomics
Classification: Benign. Review status: criteria provided, single submitter. Criteria: ACMG Guidelines, 2015. Collection method: not provided. Allele origin: germline. Inheritance: Autosomal recessive inheritance. Affected: yes.